The following is an entry in ClinVar:

NM_000271.5(NPC1):c.3328T>C (p.Phe1110Leu)

Gene: NPC1 (NPC intracellular cholesterol transporter 1; minus strand). Cytogenetic location: 18q11.2.
Variant type: single nucleotide variant.
Coding change: c.3328T>C on transcript NM_000271.5 (MANE Select); coding-DNA position 3328, T replaced by C.
Protein change: p.Phe1110Leu; replaces phenylalanine 1110 with leucine.
Molecular consequence: missense variant.
Genome position (GRCh38, 1-based): chr18:23,535,618, A>G on the plus strand (T>C on the coding strand, the complement: NPC1 is on the minus strand). VCF-style: chr18-23535618-A-G. GRCh37 (hg19) VCF-style: chr18-21115582-A-G.
Other names: short protein forms F1110L.
Identifiers: ClinVar variation 1423657 (VCV001423657.5), dbSNP rs753725948, ClinGen allele CA8912795.

ClinVar aggregate classification (germline): Uncertain significance (1 of 4 stars; one submission).

Conditions:
Niemann-Pick disease, type C1. Also called: NIEMANN-PICK DISEASE, VARIANT TYPE C1; NEUROVISCERAL STORAGE DISEASE WITH VERTICAL SUPRANUCLEAR OPHTHALMOPLEGIA; NIEMANN-PICK DISEASE WITH CHOLESTEROL ESTERIFICATION BLOCK; NIEMANN-PICK DISEASE WITHOUT SPHINGOMYELINASE DEFICIENCY; NIEMANN-PICK DISEASE, CHRONIC NEURONOPATHIC FORM. Identifiers: Orphanet 646, MedGen C3179455, MONDO:0009757, OMIM 257220.

Allele frequency attached by ClinVar (database versions not stated): ExAC 0.00001; gnomAD exomes 0.00001.
gnomAD v4.1: 11 of 1,614,120 alleles (0.00068%); highest among the groups gnomAD compares: Non-Finnish European, 0.00093%; no homozygotes.

Submission:

Labcorp Genetics (formerly Invitae), Labcorp
Classification: Uncertain significance for Niemann-Pick disease, type C1. Last evaluated: 2021-08-27. Review status: criteria provided, single submitter. Criteria: Invitae Variant Classification Sherloc (09022015). Collection method: clinical testing. Allele origin: germline.
Comment: This sequence change replaces phenylalanine with leucine at codon 1110 of the NPC1 protein (p.Phe1110Leu). The phenylalanine residue is highly conserved and there is a small physicochemical difference between phenylalanine and leucine. This variant is present in population databases (rs753725948, ExAC 0.001%). This variant has not been reported in the literature in individuals affected with NPC1-related conditions. Algorithms developed to predict the effect of missense changes on protein structure and function are either unavailable or do not agree on the potential impact of this missense change (SIFT: "Deleterious"; PolyPhen-2: "Benign"; Align-GVGD: "Class C15"). In summary, the available evidence is currently insufficient to determine the role of this variant in disease. Therefore, it has been classified as a Variant of Uncertain Significance.